The following is an entry in ClinVar:

NM_015154.3(MESD):c.57GCT[7] (p.Leu26_Pro27insLeuLeu)

Genes: MESD (mesoderm development LRP chaperone; minus strand), LOC121530597 (Sharpr-MPRA regulatory region 7880; plus strand). Cytogenetic location: 15q25.1.
Variant type: Microsatellite.
Coding change: c.57GCT[7] on transcript NM_015154.3 (MANE Select); seven copies in a row of the 3-base unit GCT starting at c.57; the reference has five copies in a row; two copies, 6 bases duplicated.
Protein change: p.Leu26_Pro27insLeuLeu.
Molecular consequence: inframe insertion. On other transcripts: non-coding transcript variant (2).
Genome position (GRCh38, 1-based): chr15:80,989,721-80,989,726, AGCAGC duplicated on the plus strand (GCTGCT on the coding strand, the reverse complement: MESD is on the minus strand); duplicating any 6 consecutive bases within chr15:80,989,721-80,989,737 gives the same sequence; the position shown is the placement nearest the transcript's 3' end. VCF-style (leftmost placement, unchanged base first): chr15-80989720-T-TAGCAGC. GRCh37 (hg19) VCF-style: chr15-81282061-T-TAGCAGC.
Identifiers: ClinVar variation 2072010 (VCV002072010.1), dbSNP rs376961994, ClinGen allele CA2190694860.

ClinVar aggregate classification (germline): Uncertain significance (1 of 4 stars; one submission).

Submission:

Labcorp Genetics (formerly Invitae), Labcorp
Classification: Uncertain significance. Last evaluated: 2022-06-30. Review status: criteria provided, single submitter. Criteria: Invitae Variant Classification Sherloc (09022015). Collection method: clinical testing. Allele origin: germline.
Comment: This variant, c.66_71dup, results in the insertion of 2 amino acid(s) of the MESDC2 protein (p.Leu25_Leu26dup), but otherwise preserves the integrity of the reading frame. This variant is not present in population databases (gnomAD no frequency). This variant has not been reported in the literature in individuals affected with MESDC2-related conditions. In summary, the available evidence is currently insufficient to determine the role of this variant in disease. Therefore, it has been classified as a Variant of Uncertain Significance.